The following is an entry in ClinVar:

ClinVar aggregate classification (germline): Uncertain significance (1 of 4 stars; one submission).

Allele frequency attached by ClinVar (database versions not stated): TOPMed 0.00001.
gnomAD v4.1: 12 of 1,613,498 alleles (0.00074%); highest among the groups gnomAD compares: African/African-American, 0.0013%; no homozygotes.

Submission:

Labcorp Genetics (formerly Invitae), Labcorp
Classification: Uncertain significance. Last evaluated: 2022-02-16. Review status: criteria provided, single submitter. Criteria: Invitae Variant Classification Sherloc (09022015). Collection method: clinical testing. Allele origin: germline.
Comment: This sequence change replaces histidine, which is basic and polar, with proline, which is neutral and non-polar, at codon 962 of the HPS5 protein (p.His962Pro). This variant is present in population databases (rs144453656, gnomAD 0.007%). This variant has not been reported in the literature in individuals affected with HPS5-related conditions. ClinVar contains an entry for this variant (Variation ID: 1021723). Algorithms developed to predict the effect of missense changes on protein structure and function are either unavailable or do not agree on the potential impact of this missense change (SIFT: "Deleterious"; PolyPhen-2: "Possibly Damaging"; Align-GVGD: "Class C0"). In summary, the available evidence is currently insufficient to determine the role of this variant in disease. Therefore, it has been classified as a Variant of Uncertain Significance.

NM_181507.2(HPS5):c.2885A>C (p.His962Pro)

Gene: HPS5 (HPS5 biogenesis of lysosomal organelles complex 2 subunit 2; minus strand). Cytogenetic location: 11p15.1.
Variant type: single nucleotide variant.
Coding change: c.2885A>C on transcript NM_181507.2 (MANE Select); coding-DNA position 2885, A replaced by C.
Protein change: p.His962Pro; replaces histidine 962 with proline.
Molecular consequence: missense variant.
Genome position (GRCh38, 1-based): chr11:18,285,412, T>G on the plus strand (A>C on the coding strand, the complement: HPS5 is on the minus strand). VCF-style: chr11-18285412-T-G. GRCh37 (hg19) VCF-style: chr11-18306959-T-G.
Other names: c.2543A>C, p.His848Pro (NM_007216.4, NM_181508.2); short protein forms H848P, H962P.
Identifiers: ClinVar variation 1021723 (VCV001021723.6), dbSNP rs144453656, ClinGen allele CA218576963.